The following is an entry in ClinVar:

ClinVar aggregate classification (germline): Benign. Review status: criteria provided, multiple submitters, no conflicts (2 of 4 stars). 3 submissions from 3 submitters: Benign (3). Last evaluated 2023-11-12.

Allele frequency attached by ClinVar (database versions not stated): TOPMed 0.36503; gnomAD 0.36770 and 0.37693; 1000 Genomes Project 30x 0.37804; 1000 Genomes Project 0.38698.
gnomAD v4.1: 422,473 of 962,700 alleles (44%); highest among the groups gnomAD compares: South Asian, 58%; 96,717 homozygotes.

Submissions (3):

Unidad de Genómica Garrahan, Hospital de Pediatría Garrahan
Classification: Benign. Last evaluated: 2023-11-12. Review status: criteria provided, single submitter. Criteria: ACMG Guidelines, 2015. Collection method: clinical testing. Allele origin: germline. Affected: no. Observed: 38 variant alleles.
Comment: This variant is classified as Benign based on local population frequency. This variant was detected in 40% of patients studied by a panel of primary immunodeficiencies. Number of patients: 38. Only high quality variants are reported.

GeneDx
Classification: Benign. Last evaluated: 2021-05-15. Review status: criteria provided, single submitter. Criteria: GeneDx Variant Classification Process June 2021. Collection method: clinical testing. Allele origin: germline. Affected: yes.

Breakthrough Genomics
Classification: Benign. Review status: criteria provided, single submitter. Criteria: ACMG Guidelines, 2015. Collection method: not provided. Allele origin: germline. Inheritance: Autosomal recessive inheritance. Affected: yes.

NM_015474.4(SAMHD1):c.510-74T>G

Gene: SAMHD1 (SAM and HD domain containing deoxynucleoside triphosphate triphosphohydrolase 1; minus strand). Cytogenetic location: 20q11.23.
Variant type: single nucleotide variant.
Coding change: c.510-74T>G on transcript NM_015474.4 (MANE Select); 74 bases into the intron before coding-DNA position 510, T replaced by G.
Molecular consequence: intron variant.
Genome position (GRCh38, 1-based): chr20:36,930,949, A>C on the plus strand (T>G on the coding strand, the complement: SAMHD1 is on the minus strand). VCF-style: chr20-36930949-A-C. GRCh37 (hg19) VCF-style: chr20-35559352-A-C.
Other names: c.510-74T>G (NM_001363729.2, NM_001363733.2).
Identifiers: ClinVar variation 1249371 (VCV001249371.5), dbSNP rs6072746, ClinGen allele CA14850674.